The following is an entry in ClinVar:

NM_015021.3(ZNF292):c.4450C>T (p.Gln1484Ter)

Gene: ZNF292 (zinc finger protein 292; plus strand). Cytogenetic location: 6q14.3.
Variant type: single nucleotide variant.
Coding change: c.4450C>T on transcript NM_015021.3 (MANE Select); coding-DNA position 4450, C replaced by T.
Protein change: p.Gln1484Ter; replaces glutamine 1484 with a stop codon.
Molecular consequence: nonsense.
Genome position (GRCh38, 1-based): chr6:87,258,079, C>T. VCF-style: chr6-87258079-C-T. GRCh37 (hg19) VCF-style: chr6-87967797-C-T.
Other names: c.4030C>T, p.Gln1344Ter (NM_001351444.2); short protein forms Q1344*, Q1484*.
Identifiers: ClinVar variation 1805350 (VCV001805350.1), dbSNP rs2482327974, ClinGen allele CA364927296.

ClinVar aggregate classification (germline): Pathogenic (1 of 4 stars; one submission).

Conditions:
Intellectual developmental disorder, autosomal dominant 64. Also called: MENTAL RETARDATION, AUTOSOMAL DOMINANT 64. Identifiers: MedGen C5543067, MONDO:0030934, OMIM 619188.

Submission:

Victorian Clinical Genetics Services, Murdoch Childrens Research Institute
Classification: Pathogenic for Intellectual developmental disorder, autosomal dominant 64. Last evaluated: 2021-05-06. Review status: criteria provided, single submitter. Criteria: ACMG Guidelines, 2015. Collection method: clinical testing. Allele origin: germline. Inheritance: Autosomal dominant inheritance. Affected: yes.
Comment: Based on the classification scheme VCGS_Germline_v1.3.4, this variant is classified as Pathogenic. Following criteria are met: 0105 - The mechanism of disease for this gene is not clearly established. (I) 0107 - This gene is associated with autosomal dominant disease. To date, only heterozygous variants have been reported to cause disease in this gene (DECIPHER, PMID: 31723249). (I) 0204 - Variant is predicted to result in a truncated protein (premature termination codon is NOT located at least 54 nucleotides upstream of the final exon-exon junction) with at least 1/3 of the protein sequence affected. (SP) 0251 - This variant is heterozygous. (I) 0301 - Variant is absent from gnomAD (both v2 and v3). (SP) 0600 - Variant is located upstream of multiple annotated zinc finger motifs (NCBI, UniProt). (I) 0701 - Other truncating variants comparable to the one identified in this case have very strong previous evidence for pathogenicity. More than ten downstream truncating variants have previously been reported as pathogenic in individuals with ZNF292-related neurodevelopmental disorder (DECIPHER, PMID: 31723249). (SP) 0807 - This variant has no previous evidence of pathogenicity. (I) 0905 - No published segregation evidence has been identified for this variant. (I) 1007 - No published functional evidence has been identified for this variant. (I) Legend: (SP) - Supporting pathogenic, (I) - Information, (SB) - Supporting benign

Literature cited by the submitters: PubMed 31723249.